The following is an entry in ClinVar:

ClinVar aggregate classification (germline): Likely pathogenic (1 of 4 stars; one submission).

Submission:

Labcorp Genetics (formerly Invitae), Labcorp
Classification: Likely pathogenic. Last evaluated: 2023-04-25. Review status: criteria provided, single submitter. Criteria: Invitae Variant Classification Sherloc (09022015). Collection method: clinical testing. Allele origin: unknown.
Comment: This variant results in a copy number gain of the genomic region encompassing exon(s) 7-9 of the POLH gene. While the exact position of this variant cannot be determined from the data, sub-genic copy number gains are generally in tandem (PMID: 25640679). This variant is predicted to be out-of-frame, and may result in an absent or disrupted protein product. Loss-of-function variants in POLH are known to be pathogenic (PMID: 11773631, 24130121, 25256075). This variant has not been reported in the literature in individuals affected with POLH-related conditions. In summary, the currently available evidence indicates that the variant is pathogenic, but additional data are needed to prove that conclusively. Therefore, this variant has been classified as Likely Pathogenic.

Literature cited by the submitters: PubMed 25640679; PubMed 11773631; PubMed 24130121; PubMed 25256075.

NC_000006.11:g.(?_43571609)_(43573076_?)dup

Gene: POLH (DNA polymerase eta; plus strand). Cytogenetic location: 6p21.1.
Variant type: Duplication.
Identifiers: ClinVar variation 3246208 (VCV003246208.1).